The following is an entry in ClinVar:

ClinVar aggregate classification (germline): Likely benign. Review status: criteria provided, multiple submitters, no conflicts (2 of 4 stars). 2 submissions from 2 submitters: Likely benign (2). Last evaluated 2026-05-16.

Conditions:
SCN9A-related disorder. Also called: SCN9A-related disorders; SCN9A-related condition.
Neuropathy, hereditary sensory and autonomic, type 2A (HSAN2A). Also called: ACROOSTEOLYSIS, GIACCAI TYPE; ACROOSTEOLYSIS, NEUROGENIC; NEUROPATHY, CONGENITAL SENSORY; NEUROPATHY, HEREDITARY SENSORY RADICULAR, AUTOSOMAL RECESSIVE; NEUROPATHY, HEREDITARY SENSORY, TYPE IIA; NEUROPATHY, PROGRESSIVE SENSORY, OF CHILDREN. Identifiers: Orphanet 970, MedGen C2752089, MONDO:0024309, OMIM 201300.
Generalized epilepsy with febrile seizures plus, type 7 (GEFSP7). Also called: GEFS+, TYPE 7. Identifiers: Orphanet 36387, MedGen C2751778, MONDO:0013470, OMIM 613863.

Allele frequency attached by ClinVar (database versions not stated): gnomAD exomes below 0.00001 and 0.00001; gnomAD 0.00002 and 0.00003; TOPMed 0.00002; ExAC 0.00003; ESP Exome Variant Server 0.00033.

Submissions (2):

PreventionGenetics, part of Exact Sciences
Classification: Likely benign for SCN9A-related condition. Last evaluated: 2026-05-16. Review status: criteria provided, single submitter. Criteria: ACMG Guidelines, 2015. Collection method: clinical testing. Allele origin: germline.
Comment: This variant is classified as likely benign based on ACMG/AMP sequence variant interpretation guidelines (Richards et al. 2015 PMID: 25741868, with internal and published modifications).

Labcorp Genetics (formerly Invitae), Labcorp
Classification: Likely benign for Neuropathy, hereditary sensory and autonomic, type 2A; Generalized epilepsy with febrile seizures plus, type 7. Last evaluated: 2025-12-30. Review status: criteria provided, single submitter. Criteria: Invitae Variant Classification Sherloc (09022015). Collection method: clinical testing. Allele origin: germline.

NM_001365536.1(SCN9A):c.4503+8_4503+9insT

Genes: SCN1A-AS1 (SCN1A and SCN9A antisense RNA 1; plus strand), SCN9A (sodium voltage-gated channel alpha subunit 9; minus strand). Cytogenetic location: 2q24.3.
Variant type: Insertion.
Coding change: c.4503+8_4503+9insT on transcript NM_001365536.1 (MANE Select); bases 8 to 9 of the intron after coding-DNA position 4503, T inserted.
Molecular consequence: intron variant.
Genome position: GRCh38 VCF-style: chr2-166204351-T-TA. GRCh37 (hg19) VCF-style: chr2-167060861-T-TA.
Other names: c.4470+8_4470+9insT (NM_002977.4).
Identifiers: ClinVar variation 331962 (VCV000331962.14), dbSNP rs767624579, ClinGen allele CA1943848.